The following is an entry in ClinVar:

ClinVar aggregate classification (germline): Likely benign. Review status: criteria provided, multiple submitters, no conflicts (2 of 4 stars). 2 submissions from 2 submitters: Likely benign (2). Last evaluated 2026-01-19.

Allele frequency attached by ClinVar (database versions not stated): ExAC 0.00008; gnomAD exomes 0.00010; TOPMed 0.00012; gnomAD 0.00013; ESP Exome Variant Server 0.00015.
gnomAD v4.1: 164 of 1,613,354 alleles (0.01%); highest among the groups gnomAD compares: Admixed American, 0.01%; no homozygotes.

Submissions (2):

Labcorp Genetics (formerly Invitae), Labcorp
Classification: Likely benign. Last evaluated: 2026-01-19. Review status: criteria provided, single submitter. Criteria: Invitae Variant Classification Sherloc (09022015). Collection method: clinical testing. Allele origin: germline.

CeGaT Center for Human Genetics Tuebingen
Classification: Likely benign. Last evaluated: 2022-07-01. Review status: criteria provided, single submitter. Criteria: CeGaT Center For Human Genetics Tuebingen Variant Classification Criteria Version 2. Collection method: clinical testing. Allele origin: germline. Affected: yes. Observed: 1 variant allele.
Comment: CELSR2: BP4, BP7

NM_001408.3(CELSR2):c.3192T>C (p.Phe1064=)

Genes: CELSR2 (cadherin EGF LAG seven-pass G-type receptor 2; plus strand), LOC110121283 (VISTA enhancer hs2216; plus strand). Cytogenetic location: 1p13.3.
Variant type: single nucleotide variant.
Coding change: c.3192T>C on transcript NM_001408.3 (MANE Select); coding-DNA position 3192, T replaced by C.
Protein change: p.Phe1064=; no amino-acid change (phenylalanine 1064 retained).
Molecular consequence: synonymous variant.
Genome position (GRCh38, 1-based): chr1:109,253,271, T>C. VCF-style: chr1-109253271-T-C. GRCh37 (hg19) VCF-style: chr1-109795893-T-C.
Identifiers: ClinVar variation 2638969 (VCV002638969.25), dbSNP rs138976507, ClinGen allele CA986877.